The following is an entry in ClinVar:

NM_000435.3(NOTCH3):c.1194C>T (p.Gly398=)

Gene: NOTCH3 (notch receptor 3; minus strand). Cytogenetic location: 19p13.12.
Variant type: single nucleotide variant.
Coding change: c.1194C>T on transcript NM_000435.3 (MANE Select); coding-DNA position 1194, C replaced by T.
Protein change: p.Gly398=; no amino-acid change (glycine 398 retained).
Molecular consequence: synonymous variant.
Genome position (GRCh38, 1-based): chr19:15,189,173, G>A on the plus strand (C>T on the coding strand, the complement: NOTCH3 is on the minus strand). VCF-style: chr19-15189173-G-A. GRCh37 (hg19) VCF-style: chr19-15299984-G-A.
Identifiers: ClinVar variation 888663 (VCV000888663.13), dbSNP rs140368657, ClinGen allele CA9263672.
Genomic context (GRCh38, chr19:15,189,173, plus strand): 5'-CTGGCACAGGAAGGAGCCCTGCGTGTTCACGCACCTGCCCAAGTGCTCGCAGGGGTTGGC[G>A]CCTGCCGGATGGAGTGCGATCGGTGTGGGCGTGGCTGGCCGGGACCCCCTCCTCTCCCCT-3'
Protein context (NP_000426.2, residues 388-408): CDQDVDECSI[Gly398=]ANPCEHLGRC

ClinVar aggregate classification (germline): Benign/Likely benign. Review status: criteria provided, multiple submitters, no conflicts (2 of 4 stars). 5 submissions from 5 submitters: Benign (3); Likely benign (2). Last evaluated 2025-11-22.

Conditions:
Cerebral arteriopathy, autosomal dominant, with subcortical infarcts and leukoencephalopathy, type 1 (CADASIL1). Also called: DEMENTIA, HEREDITARY MULTIINFARCT TYPE; CADASIL 1; CASIL; Cerebral arteriopathy with subcortical infarcts and leukoencephalopathy 1. Identifiers: Orphanet 136, MedGen C4551768, MONDO:0000914, OMIM 125310.

Allele frequency attached by ClinVar (database versions not stated): ExAC 0.00008; 1000 Genomes Project 30x 0.00016; 1000 Genomes Project 0.00020; ESP Exome Variant Server 0.00023; gnomAD 0.00031 and 0.00036; TOPMed 0.00035.
gnomAD v4.1: 104 of 1,613,272 alleles (0.0064%); highest among the groups gnomAD compares: African/African-American, 0.13%; no homozygotes.

Submissions (5):

Labcorp Genetics (formerly Invitae), Labcorp
Classification: Benign. Last evaluated: 2025-11-22. Review status: criteria provided, single submitter. Criteria: Invitae Variant Classification Sherloc (09022015). Collection method: clinical testing. Allele origin: germline.

Blueprint Genetics
Classification: Likely benign. Last evaluated: 2024-07-04. Review status: criteria provided, single submitter. Criteria: ACMG Guidelines, 2015. Collection method: clinical testing. Allele origin: germline.

Athena Diagnostics
Classification: Benign. Last evaluated: 2024-04-15. Review status: criteria provided, single submitter. Criteria: Athena Diagnostics Criteria. Collection method: clinical testing. Allele origin: unknown.

ARUP Laboratories, Molecular Genetics and Genomics, ARUP Laboratories
Classification: Likely benign. Last evaluated: 2023-09-06. Review status: criteria provided, single submitter. Criteria: ARUP Molecular Germline Variant Investigation Process 2024. Collection method: clinical testing. Allele origin: germline.

Illumina Laboratory Services, Illumina
Classification: Benign for Cerebral arteriopathy, autosomal dominant, with subcortical infarcts and leukoencephalopathy, type 1. Last evaluated: 2018-01-12. Review status: criteria provided, single submitter. Criteria: ICSL Variant Classification Criteria 13 December 2019. Collection method: clinical testing. Allele origin: germline.
Comment: This variant was observed in the ICSL laboratory as part of a predisposition screen in an ostensibly healthy population. It had not been previously curated by ICSL or reported in the Human Gene Mutation Database (HGMD: prior to June 1st, 2018), and was therefore a candidate for classification through an automated scoring system. Utilizing variant allele frequency, disease prevalence and penetrance estimates, and inheritance mode, an automated score was calculated to assess if this variant is too frequent to cause the disease. Based on the score and internal cut-off values, a variant classified as benign is not then subjected to further curation. The score for this variant resulted in a classification of benign for this disease.